The following is an entry in ClinVar:

ClinVar aggregate classification (germline): Benign/Likely benign. Review status: criteria provided, multiple submitters, no conflicts (2 of 4 stars). 5 submissions from 5 submitters: Benign (1); Likely benign (4). Last evaluated 2025-10-29.

Conditions:
Cardiovascular phenotype. Identifiers: MedGen CN230736.
Spinocerebellar ataxia type 19/22 (SCA19). Also called: SPINOCEREBELLAR ATAXIA 19; SPINOCEREBELLAR ATAXIA 22. Identifiers: Orphanet 98772, MedGen C1846367, MONDO:0011819, OMIM 607346.

Allele frequency attached by ClinVar (database versions not stated): TOPMed below 0.00001; gnomAD 0.00001 and 0.00003; gnomAD exomes 0.00004 and 0.00008; ExAC 0.00010.

Submissions (5):

Women's Health and Genetics/Laboratory Corporation of America, LabCorp
Classification: Benign. Last evaluated: 2025-10-29. Review status: criteria provided, single submitter. Criteria: LabCorp Variant Classification Summary - May 2015. Collection method: clinical testing. Allele origin: germline.

Labcorp Genetics (formerly Invitae), Labcorp
Classification: Likely benign for Spinocerebellar ataxia type 19/22. Last evaluated: 2024-01-24. Review status: criteria provided, single submitter. Criteria: Invitae Variant Classification Sherloc (09022015). Collection method: clinical testing. Allele origin: germline.

Ambry Genetics
Classification: Likely benign for Cardiovascular phenotype. Last evaluated: 2021-12-03. Review status: criteria provided, single submitter. Criteria: Ambry Variant Classification Scheme 2023. Collection method: clinical testing. Allele origin: germline.

CeGaT Center for Human Genetics Tuebingen
Classification: Likely benign. Last evaluated: 2020-03-01. Review status: criteria provided, single submitter. Criteria: CeGaT Center For Human Genetics Tuebingen Variant Classification Criteria Version 2. Collection method: clinical testing. Allele origin: germline. Affected: yes. Observed: 1 variant allele.

GeneDx
Classification: Likely benign. Last evaluated: 2018-03-05. Review status: criteria provided, single submitter. Criteria: GeneDx Variant Classification (06012015). Collection method: clinical testing. Allele origin: germline. Affected: yes.
Comment: This variant is considered likely benign or benign based on one or more of the following criteria: it is a conservative change, it occurs at a poorly conserved position in the protein, it is predicted to be benign by multiple in silico algorithms, and/or has population frequency not consistent with disease.

NM_001378969.1(KCND3):c.727C>T (p.Leu243=)

Gene: KCND3 (potassium voltage-gated channel subfamily D member 3; minus strand). Cytogenetic location: 1p13.2.
Variant type: single nucleotide variant.
Coding change: c.727C>T on transcript NM_001378969.1 (MANE Select); coding-DNA position 727, C replaced by T.
Protein change: p.Leu243=; no amino-acid change (leucine 243 retained).
Molecular consequence: synonymous variant.
Genome position (GRCh38, 1-based): chr1:111,982,000, G>A on the plus strand (C>T on the coding strand, the complement: KCND3 is on the minus strand). VCF-style: chr1-111982000-G-A. GRCh37 (hg19) VCF-style: chr1-112524622-G-A.
Other names: c.727C>T, p.Leu243= (NM_001378970.1, NM_004980.5, NM_172198.3).
Identifiers: ClinVar variation 515916 (VCV000515916.53), dbSNP rs769885163, ClinGen allele CA1007558.